The following is an entry in ClinVar:

NM_000260.4(MYO7A):c.3491G>A (p.Arg1164Gln)

Gene: MYO7A (myosin VIIA; plus strand). Cytogenetic location: 11q13.5.
Variant type: single nucleotide variant.
Coding change: c.3491G>A on transcript NM_000260.4 (MANE Select); coding-DNA position 3491, G replaced by A.
Protein change: p.Arg1164Gln; replaces arginine 1164 with glutamine.
Molecular consequence: missense variant.
Genome position (GRCh38, 1-based): chr11:77,184,703, G>A. VCF-style: chr11-77184703-G-A. GRCh37 (hg19) VCF-style: chr11-76895748-G-A.
Other names: NM_001127179.2:c.3491G>A; c.3491G>A, p.Arg1164Gln (NM_001127180.2); c.3458G>A, p.Arg1153Gln (NM_001369365.1); short protein forms R1164Q, R1153Q.
Identifiers: ClinVar variation 229012 (VCV000229012.21), dbSNP rs782350886, ClinGen allele CA6198071.

ClinVar aggregate classification (germline): Uncertain significance. Review status: reviewed by expert panel (3 of 4 stars). 8 submissions from 8 submitters: Uncertain significance (1). 7 of the submissions do not count toward it. Last evaluated 2024-03-28.

Conditions:
MYO7A-related disorder. Also called: MYO7A-related disorders.
Usher syndrome. Also called: Usher Syndromes; Usher's syndrome. Identifiers: Orphanet 886, MedGen CN469326, MeSH D052245, MONDO:0019501. Disease mechanism: loss of function.
Autosomal recessive nonsyndromic hearing loss 2. Also called: DEAFNESS, AUTOSOMAL RECESSIVE 2; NEUROSENSORY NONSYNDROMIC RECESSIVE DEAFNESS 2. Identifiers: Orphanet 90636, MedGen C1838701, MONDO:0010807, OMIM 600060.
Usher syndrome type 1 (USH1). Also called: RETINITIS PIGMENTOSA AND CONGENITAL DEAFNESS. Identifiers: Orphanet 231169, Orphanet 886, MedGen C1568247, MONDO:0010168, OMIM 276900.
Usher syndrome type 1B (USH1B). Also called: Usher syndrome type IB. Identifiers: MedGen C1848638, MONDO:0700087.

Allele frequency attached by ClinVar (database versions not stated): gnomAD 0.00001; gnomAD exomes 0.00001; TOPMed 0.00001; ExAC 0.00003.
gnomAD v4.1: 21 of 1,600,224 alleles (0.0013%); highest among the groups gnomAD compares: South Asian, 0.0045%; no homozygotes.

Submissions (8):

ClinGen Hearing Loss Variant Curation Expert Panel
Classification: Uncertain significance for Usher syndrome. Last evaluated: 2024-03-28. Review status: reviewed by expert panel. Criteria: Clingen Hl Acmg Specifications Cdh23 Coch Gjb2 Kcnq4 Myo6 Myo7a Slc26a4 Tecta Ush2a V2. Collection method: curation. Allele origin: germline. Inheritance: Autosomal recessive inheritance.
Comment: The c.3491G>A variant in MYO7A is a missense variant predicted to cause substitution of arginine by glutamine at amino acid 1164 (p.Arg1164Gln). The highest population filtering allele frequency with a confidence interval of 0.95 in gnomAD v4 is 0.00001446 (4/89272 alleles) in the South Asian population, which is lower than the ClinGen Hearing Loss VCEP threshold (<=0.00007) for PM2_Supporting, meeting this criterion (PM2_Supporting). The computational predictor REVEL gives a score of 0.935, which is above the threshold of 0.7, evidence that correlates with impact to MYO7A function (PP3). In summary, this variant meets the criteria to be classified as uncertain significance for autosomal recessive Usher syndrome based on the ACMG/AMP criteria applied, as specified by the ClinGen Hearing Loss VCEP: PM2_P, PP3. (ClinGen Hearing Loss VCEP specifications version 2, 01.17.2024)

Myriad Genetics, Inc.
Classification: Uncertain significance for Usher syndrome type 1. Last evaluated: 2026-02-10. Review status: criteria provided, single submitter. Criteria: Myriad Autosomal Dominant, Autosomal Recessive and X-Linked Classification Criteria (2023). Collection method: clinical testing. Allele origin: unknown. Not counted in ClinVar's aggregate classification.
Comment: NM_000260.3(MYO7A):c.3491G>A(R1164Q) is a missense variant classified as a variant of uncertain significance in the context of MYO7A-related disorders. R1164Q has been observed in cases with relevant disease (PMID: 26496393). Relevant functional assessments of this variant are not available in the literature. R1164Q has been observed in referenced population frequency databases. In summary, there is insufficient evidence to classify NM_000260.3(MYO7A):c.3491G>A(R1164Q) as pathogenic or benign. Please note: this variant was assessed in the context of healthy population screening.

Labcorp Genetics (formerly Invitae), Labcorp
Classification: Uncertain significance. Last evaluated: 2025-11-18. Review status: criteria provided, single submitter. Criteria: Invitae Variant Classification Sherloc (09022015). Collection method: clinical testing. Allele origin: germline. Not counted in ClinVar's aggregate classification.
Comment: This sequence change replaces arginine, which is basic and polar, with glutamine, which is neutral and polar, at codon 1164 of the MYO7A protein (p.Arg1164Gln). The frequency data for this variant in the population databases is considered unreliable, as metrics indicate poor data quality at this position in the gnomAD database. This variant has not been reported in the literature in individuals affected with MYO7A-related conditions. ClinVar contains an entry for this variant (Variation ID: 229012). Invitae Evidence Modeling of protein sequence and biophysical properties (such as structural, functional, and spatial information, amino acid conservation, physicochemical variation, residue mobility, and thermodynamic stability) indicates that this missense variant is expected to disrupt MYO7A protein function with a positive predictive value of 95%. In summary, the available evidence is currently insufficient to determine the role of this variant in disease. Therefore, it has been classified as a Variant of Uncertain Significance.

Institute of Rare Diseases, West China Hospital, Sichuan University
Classification: Likely pathogenic for Autosomal recessive nonsyndromic hearing loss 2. Last evaluated: 2025-01-09. Review status: criteria provided, single submitter. Criteria: ClinGen HL ACMG Specifications v1. Collection method: research. Allele origin: germline. Affected: yes. Not counted in ClinVar's aggregate classification.

Genomic Research Center, Shahid Beheshti University of Medical Sciences
Classification: Uncertain significance for MYO7A-Related Disorders. Last evaluated: 2020-05-03. Review status: criteria provided, single submitter. Criteria: ACMG Guidelines, 2015. Collection method: clinical testing. Allele origin: unknown. Affected: yes. Not counted in ClinVar's aggregate classification.

Laboratory for Molecular Medicine, Mass General Brigham Personalized Medicine
Classification: Uncertain significance. Last evaluated: 2019-04-30. Review status: criteria provided, single submitter. Criteria: LMM Criteria. Collection method: clinical testing. Allele origin: germline. Observed: 2 variant alleles. Not counted in ClinVar's aggregate classification.
Comment: proposed classification - variant undergoing re-assessment, contact laboratory

Natera, Inc.
Classification: Uncertain significance for Usher syndrome type 1B. Last evaluated: 2021-02-16. Review status: no assertion criteria provided. Collection method: clinical testing. Allele origin: germline. Not counted in ClinVar's aggregate classification.

Counsyl
Classification: Uncertain significance for Usher syndrome type 1; Autosomal recessive nonsyndromic hearing loss 2. Last evaluated: 2017-05-12. Review status: no assertion criteria provided. Collection method: clinical testing. Allele origin: unknown. Not counted in ClinVar's aggregate classification.

Literature cited by the submitters: PubMed 26496393 (cited by Myriad Genetics, Inc.).